The following is an entry in ClinVar:

ClinVar aggregate classification (germline): Uncertain significance (1 of 4 stars; one submission).

Conditions:
Myopathy, proximal, and ophthalmoplegia (CMYO6). Also called: MYOPATHY WITH CONGENITAL JOINT CONTRACTURES, OPHTHALMOPLEGIA, AND RIMMED VACUOLES; CONGENITAL MYOPATHY 6 WITH OPHTHALMOPLEGIA; INCLUSION BODY MYOPATHY 3, AUTOSOMAL DOMINANT. Identifiers: Orphanet 363677, Orphanet 79091, MedGen C1854106, MONDO:0011577, OMIM 605637.

Submission:

Labcorp Genetics (formerly Invitae), Labcorp
Classification: Uncertain significance for Myopathy, proximal, and ophthalmoplegia. Last evaluated: 2024-08-31. Review status: criteria provided, single submitter. Criteria: Invitae Variant Classification Sherloc (09022015). Collection method: clinical testing. Allele origin: germline.
Comment: This sequence change replaces methionine, which is neutral and non-polar, with isoleucine, which is neutral and non-polar, at codon 1747 of the MYH2 protein (p.Met1747Ile). This variant is not present in population databases (gnomAD no frequency). This variant has not been reported in the literature in individuals affected with MYH2-related conditions. Invitae Evidence Modeling of protein sequence and biophysical properties (such as structural, functional, and spatial information, amino acid conservation, physicochemical variation, residue mobility, and thermodynamic stability) has been performed for this missense variant. However, the output from this modeling did not meet the statistical confidence thresholds required to predict the impact of this variant on MYH2 protein function. In summary, the available evidence is currently insufficient to determine the role of this variant in disease. Therefore, it has been classified as a Variant of Uncertain Significance.

NM_017534.6(MYH2):c.5241G>A (p.Met1747Ile)

Genes: MYHAS (myosin heavy chain gene cluster antisense RNA; plus strand), MYH2 (myosin heavy chain 2; minus strand). Cytogenetic location: 17p13.1.
Variant type: single nucleotide variant.
Coding change: c.5241G>A on transcript NM_017534.6 (MANE Select); coding-DNA position 5241, G replaced by A.
Protein change: p.Met1747Ile; replaces methionine 1747 with isoleucine.
Molecular consequence: missense variant.
Genome position (GRCh38, 1-based): chr17:10,523,819, C>T on the plus strand (G>A on the coding strand, the complement: MYH2 is on the minus strand). VCF-style: chr17-10523819-C-T. GRCh37 (hg19) VCF-style: chr17-10427136-C-T.
Other names: c.5241G>A, p.Met1747Ile (NM_001100112.2); short protein forms M1747I.
Identifiers: ClinVar variation 3627627 (VCV003627627.2).